The following is an entry in ClinVar:

ClinVar aggregate classification (germline): Uncertain significance (1 of 4 stars; one submission).

Conditions:
Neurodevelopmental disorder with or without autism or seizures (NEDAUS). Identifiers: MedGen C5543225, MONDO:0030994, OMIM 619239.

Submission:

Hadassah Hebrew University Medical Center
Classification: Uncertain significance for Neurodevelopmental disorder with or without autism or seizures. Last evaluated: 2025-10-01. Review status: criteria provided, single submitter. Criteria: ACMG Guidelines, 2015. Collection method: clinical testing. Allele origin: de novo. Affected: yes.
Comment: This variant is absent from the global population databases (PM2_Moderate); Multiple lines of computational evidence suggest no impact on gene or gene product (BP4_Supporting); De-novo (PS2_Strong)

NM_003590.5(CUL3):c.2293A>C (p.Thr765Pro)

Gene: CUL3 (cullin 3; minus strand). Cytogenetic location: 2q36.2.
Variant type: single nucleotide variant.
Coding change: c.2293A>C on transcript NM_003590.5 (MANE Select); coding-DNA position 2293, A replaced by C.
Protein change: p.Thr765Pro; replaces threonine 765 with proline.
Molecular consequence: missense variant.
Genome position (GRCh38, 1-based): chr2:224,474,259, T>G on the plus strand (A>C on the coding strand, the complement: CUL3 is on the minus strand). VCF-style: chr2-224474259-T-G. GRCh37 (hg19) VCF-style: chr2-225338976-T-G.
Other names: c.2095A>C, p.Thr699Pro (NM_001257197.2); c.2311A>C, p.Thr771Pro (NM_001257198.2); short protein forms T699P, T765P, T771P.
Identifiers: ClinVar variation 4526706 (VCV004526706.1).